The following is an entry in ClinVar:

ClinVar aggregate classification (germline): Uncertain significance (1 of 4 stars; one submission).

Submission:

Labcorp Genetics (formerly Invitae), Labcorp
Classification: Uncertain significance. Last evaluated: 2022-10-20. Review status: criteria provided, single submitter. Criteria: Invitae Variant Classification Sherloc (09022015). Collection method: clinical testing. Allele origin: germline.
Comment: Advanced modeling of protein sequence and biophysical properties (such as structural, functional, and spatial information, amino acid conservation, physicochemical variation, residue mobility, and thermodynamic stability) performed at Invitae indicates that this missense variant is not expected to disrupt MTOR protein function. In summary, the available evidence is currently insufficient to determine the role of this variant in disease. Therefore, it has been classified as a Variant of Uncertain Significance. This variant has not been reported in the literature in individuals affected with MTOR-related conditions. This variant is not present in population databases (gnomAD no frequency). This sequence change replaces arginine, which is basic and polar, with tryptophan, which is neutral and slightly polar, at codon 112 of the MTOR protein (p.Arg112Trp).

NM_004958.4(MTOR):c.334C>T (p.Arg112Trp)

Gene: MTOR (mechanistic target of rapamycin kinase; minus strand). Cytogenetic location: 1p36.22.
Variant type: single nucleotide variant.
Coding change: c.334C>T on transcript NM_004958.4 (MANE Select); coding-DNA position 334, C replaced by T.
Protein change: p.Arg112Trp; replaces arginine 112 with tryptophan.
Molecular consequence: missense variant. On other transcripts: 5 prime UTR variant (1).
Genome position (GRCh38, 1-based): chr1:11,257,103, G>A on the plus strand (C>T on the coding strand, the complement: MTOR is on the minus strand). VCF-style: chr1-11257103-G-A. GRCh37 (hg19) VCF-style: chr1-11317160-G-A.
Other names: c.334C>T, p.Arg112Trp (NM_001386500.1); c.-806C>T (NM_001386501.1); short protein forms R112W.
Identifiers: ClinVar variation 2003481 (VCV002003481.4), dbSNP rs2100978741, ClinGen allele CA338404169.